The following is an entry in ClinVar:

ClinVar aggregate classification (germline): Uncertain significance (1 of 4 stars; one submission).

gnomAD v4.1: 1 of 1,614,224 alleles (0.000062%); no homozygotes.

Submission:

Labcorp Genetics (formerly Invitae), Labcorp
Classification: Uncertain significance. Last evaluated: 2022-07-19. Review status: criteria provided, single submitter. Criteria: Invitae Variant Classification Sherloc (09022015). Collection method: clinical testing. Allele origin: germline.
Comment: In summary, the available evidence is currently insufficient to determine the role of this variant in disease. Therefore, it has been classified as a Variant of Uncertain Significance. Advanced modeling of protein sequence and biophysical properties (such as structural, functional, and spatial information, amino acid conservation, physicochemical variation, residue mobility, and thermodynamic stability) performed at Invitae indicates that this missense variant is not expected to disrupt CDHR1 protein function. ClinVar contains an entry for this variant (Variation ID: 939925). This variant has not been reported in the literature in individuals affected with CDHR1-related conditions. This variant is not present in population databases (gnomAD no frequency). This sequence change replaces glutamic acid, which is acidic and polar, with glutamine, which is neutral and polar, at codon 628 of the CDHR1 protein (p.Glu628Gln).

NM_033100.4(CDHR1):c.1882G>C (p.Glu628Gln)

Gene: CDHR1 (cadherin related family member 1; plus strand). Cytogenetic location: 10q23.1.
Variant type: single nucleotide variant.
Coding change: c.1882G>C on transcript NM_033100.4 (MANE Select); coding-DNA position 1882, G replaced by C.
Protein change: p.Glu628Gln; replaces glutamic acid 628 with glutamine.
Molecular consequence: missense variant.
Genome position (GRCh38, 1-based): chr10:84,213,190, G>C. VCF-style: chr10-84213190-G-C. GRCh37 (hg19) VCF-style: chr10-85972946-G-C.
Other names: c.1882G>C, p.Glu628Gln (NM_001171971.3); short protein forms E628Q.
Identifiers: ClinVar variation 939925 (VCV000939925.9), dbSNP rs896814669, ClinGen allele CA377378454.
Genomic context (GRCh38, chr10:84,213,190, plus strand): 5'-GACTATTCCATCACCCATGCAGAGCCCGCCAACGTGTTCGACATCAATTCCCACACGGGG[G>C]AGATCTGGCTCAAGAATTCCATCCGCTCCCTGGATGCCCTGCACAACATCACACCTGGAA-3'
Protein context (NP_149091.1, residues 618-638): NVFDINSHTG[Glu628Gln]IWLKNSIRSL